The following is an entry in ClinVar:

NM_007294.4(BRCA1):c.5125G>A (p.Gly1709Arg)

Gene: BRCA1 (BRCA1 DNA repair associated; minus strand). Cytogenetic location: 17q21.31.
Variant type: single nucleotide variant.
Coding change: c.5125G>A on transcript NM_007294.4 (MANE Select); coding-DNA position 5125, G replaced by A.
Protein change: p.Gly1709Arg; replaces glycine 1709 with arginine.
Molecular consequence: missense variant. On other transcripts: non-coding transcript variant (1).
Genome position (GRCh38, 1-based): chr17:43,063,901, C>T on the plus strand (G>A on the coding strand, the complement: BRCA1 is on the minus strand). VCF-style: chr17-43063901-C-T. GRCh37 (hg19) VCF-style: chr17-41215918-C-T.
Other names: c.4915G>A, p.Gly1639Arg (NM_001407879.1, NM_001407881.1, NM_001407882.1 and 5 more transcripts); c.4912G>A, p.Gly1638Arg (NM_001407899.1, NM_001407900.1, NM_001407902.1 and 12 more transcripts); c.4861G>A, p.Gly1621Arg (NM_001407925.1, NM_001407926.1, NM_001407920.1 and 4 more transcripts); c.4858G>A, p.Gly1620Arg (NM_001407927.1, NM_001407928.1, NM_001407929.1 and 4 more transcripts); c.4981G>A, p.Gly1661Arg (NM_001407944.1, NM_001407945.1, NM_001407732.1 and 21 more transcripts); c.4792G>A, p.Gly1598Arg (NM_001407946.1, NM_001407947.1, NM_001407948.1 and 1 more transcripts); c.4789G>A, p.Gly1597Arg (NM_001407950.1, NM_001407951.1, NM_001407952.1 and 3 more transcripts); c.4663G>A, p.Gly1555Arg (NM_001407964.1); and 71 more; short protein forms G1709R, G1662R, G1730R, G605R, G1555R, G1580R, G1581R, G1598R.
Identifiers: ClinVar variation 254642 (VCV000254642.26), dbSNP rs886038197, ClinGen allele CA10586677.

ClinVar aggregate classification (germline): Conflicting classifications of pathogenicity. Review status: criteria provided, conflicting classifications (1 of 4 stars). 7 submissions from 7 submitters: Uncertain significance (5); Likely benign (1). 1 of the submissions does not count toward it. Last evaluated 2025-12-02.

Conditions:
Hereditary cancer-predisposing syndrome. Also called: Hereditary Cancer Syndrome; Neoplastic Syndromes, Hereditary; Hereditary neoplastic syndrome; Tumor predisposition. Identifiers: Orphanet 140162, MedGen C0027672, MeSH D009386, MONDO:0015356.
Hereditary breast ovarian cancer syndrome. Also called: Hereditary breast and ovarian cancer syndrome (HBOC); Breast and ovarian cancer; Hereditary breast and ovarian cancer syndrome; Hereditary breast and ovarian cancer; BRCA1- and BRCA2-Associated Hereditary Breast and Ovarian Cancer; Hereditary breast and/or ovarian cancer syndrome. Identifiers: Orphanet 145, MedGen C0677776, MeSH D061325, MONDO:0003582. Disease mechanism: loss of function.
Breast-ovarian cancer, familial, susceptibility to, 1 (BROVCA1). Also called: BRCA1 Hereditary Breast and Ovarian Cancer; OVARIAN CANCER, SUSCEPTIBILITY TO. Identifiers: Orphanet 145, MedGen C2676676, MONDO:0011450, OMIM 604370. Disease mechanism: loss of function.

Allele frequency attached by ClinVar (database versions not stated): gnomAD exomes below 0.00001; TOPMed 0.00001.
gnomAD v4.1: 1 of 1,613,980 alleles (0.000062%); highest among the groups gnomAD compares: Non-Finnish European, 0.000085%; no homozygotes.

Submissions (8):

Labcorp Genetics (formerly Invitae), Labcorp
Classification: Uncertain significance for Hereditary breast ovarian cancer syndrome. Last evaluated: 2025-12-02. Review status: criteria provided, single submitter. Criteria: Invitae Variant Classification Sherloc (09022015). Collection method: clinical testing. Allele origin: germline.
Comment: This sequence change replaces glycine, which is neutral and non-polar, with arginine, which is basic and polar, at codon 1709 of the BRCA1 protein (p.Gly1709Arg). This variant is not present in population databases (gnomAD no frequency). This missense change has been observed in individual(s) with breast and/or ovarian cancer (PMID: 27495310, 34981296). ClinVar contains an entry for this variant (Variation ID: 254642). Invitae Evidence Modeling incorporating data from in vitro experimental studies (PMID: 30209399) indicates that this missense variant is not expected to disrupt BRCA1 function with a negative predictive value of 95%. Experimental studies have shown that this missense change does not substantially affect BRCA1 function (PMID: 27495310, 30209399, 30458859). In summary, the available evidence is currently insufficient to determine the role of this variant in disease. Therefore, it has been classified as a Variant of Uncertain Significance.

Color Diagnostics, LLC DBA Color Health
Classification: Uncertain significance for Hereditary cancer-predisposing syndrome. Last evaluated: 2025-09-23. Review status: criteria provided, single submitter. Criteria: ACMG Guidelines, 2015. Collection method: clinical testing. Allele origin: germline.
Comment: This missense variant replaces glycine with arginine at codon 1709 of the BRCA1 protein. Computational prediction suggests that this variant may have deleterious impact on protein structure and function. Functional studies have reported that this variant does not impact BRCA1 in a haploid cell proliferation assay and in a transcription activation assay (PMID: 27495310, 30209399). This variant has been detected in a breast cancer case-control meta-analysis in 1/60466 cases and 0/53461 unaffected individuals (PMID: 33471991Leiden Open Variation Database DB-ID BRCA1_006165) and in an individual affected with breast or ovarian cancer (PMID: 27495310). This variant has not been identified in the general population by the Genome Aggregation Database (gnomAD). The available evidence is insufficient to determine the role of this variant in disease conclusively. Therefore, this variant is classified as a Variant of Uncertain Significance.

Ambry Genetics
Classification: Uncertain significance for Hereditary cancer-predisposing syndrome. Last evaluated: 2025-06-05. Review status: criteria provided, single submitter. Criteria: Ambry Variant Classification Scheme 2023. Collection method: clinical testing. Allele origin: germline.
Comment: The p.G1709R variant (also known as c.5125G>A), located in coding exon 16 of the BRCA1 gene, results from a G to A substitution at nucleotide position 5125. The glycine at codon 1709 is replaced by arginine, an amino acid with dissimilar properties. This alteration has been detected in a Norwegian breast and/or ovarian cancer family in a study of possible genetic causes of inherited breast and ovarian cancer in a Norwegian cancer population (Jarhelle, E. Fam. Cancer 2017 01;16(1):1-16). One functional study found that this nucleotide substitution is functional in a high throughput genome editing haploid cell survival assay (Findlay, GM. Nature 2018 10;562(7726):217-222). A trans-activation-based functional assay also determined this alteration to be functional (Langerud, J. Hum. Genomics 2018 11;12(1):51), however, another functional study reported this variant to have impaired homologous recombination repair (HRR), but normal levels of transcriptional activation (Bassi N et al. BMC Cancer 2023 Apr;23(1):368). This amino acid position is highly conserved in available vertebrate species. In addition, this alteration is predicted to be deleterious by in silico analysis. Based on the available evidence, the clinical significance of this variant remains unclear.

Lupski Lab, Baylor-Hopkins CMG, Baylor College of Medicine
Classification: Likely benign for Breast-ovarian cancer, familial, susceptibility to, 1. Last evaluated: 2024-04-12. Review status: criteria provided, single submitter. Criteria: Dawood et al. (medRxiv. 2024). Collection method: curation. Allele origin: germline.
Comment: Each variant was annotated with functional scores from MAVE data which was translated into functional evidence codes. All other evidence codes and combining criteria were adhered to as closely as possible based on the ClinGen VCEP (Variant Curation Expert Panel) gene-specific recommendations. See Supplemental Figure 34 of final paper (Supp Fig. 28 in preprint: doi:10.1101/2024.04.11.24305690) for a table to see which lines of evidence we did not have data for. The ClinGen VCEPs are highly regarded as the gold-standard for gene-specific variant curation and are developed after extensive evaluation of the evidence by clinical and scientific experts for the particular gene to classify genomic variants on a spectrum from pathogenic to benign using the 2015 ACMG/AMP Variant Interpretation Guidelines as a backbone (PMID: 25741868). Reclassification of these VUS variants from gnomAD or All of Us focused only on variants originally prescribed as VUS in ClinVar. To ensure reproducibility, transparency, and increased throughput, all the procedures for annotating variants and assigning evidence codes were codified using Python. All code has been made freely available and is linked in the Code Availability section and all reclassified variants with evidence codes used can be found in Tables S18-19 (preprint: doi:10.1101/2024.04.11.24305690). For the MAVE data, the clinical curation and clinical strength assignment as per the ClinGen recommendations in Brnich et al. (2020) (PMID: 31892348) for or against pathogenicity or benignity of each of these MAVE datasets utilized in this study were previously published in Fayer et al. (2021) (PMID: 34793697).In brief, for BRCA1 variants, if a variant was categorized as FUNC (functional), it was assigned BS3 evidence and no PS3 evidence, whereas if it was categorized as LOF (loss of function), the variant was assigned PS3 evidence and no BS3 evidence. Variants categorized as INT (intermediate) were left unannotated. For the BRCA1 combining criteria, greater than or equal to 1 criteria of strong benign evidence was enough to reclassify the VUS as Likely Benign. This variant GRCh38:17:43063901:C>T was assigned evidence codes ['BS3'] and an overall classification of Likely benign

Baylor Genetics
Classification: Uncertain significance for Breast-ovarian cancer, familial, susceptibility to, 1. Last evaluated: 2023-12-19. Review status: criteria provided, single submitter. Criteria: ACMG Guidelines, 2015. Collection method: clinical testing. Allele origin: unknown.

Women's Health and Genetics/Laboratory Corporation of America, LabCorp
Classification: Uncertain significance. Last evaluated: 2022-01-27. Review status: criteria provided, single submitter. Criteria: LabCorp Variant Classification Summary - May 2015. Collection method: clinical testing. Allele origin: germline.
Comment: Variant summary: BRCA1 c.5125G>A (p.Gly1709Arg) results in a non-conservative amino acid change located in the BRCT domain (IPR001357) of the encoded protein sequence. Four of five in-silico tools predict a damaging effect of the variant on protein function. The variant was absent in 251328 control chromosomes (gnomAD). The available data on variant occurrences in the general population are insufficient to allow any conclusion about variant significance. These data do not allow any conclusion about variant significance. To our knowledge, three publications report experimental evidence evaluating an impact on protein function: one using a BRCA1 dependent cell survival assay showed the variant was functional (Findlay_2018), and two TA activity assays utilizing luciferase (Langerud_2018, Jarhelle_2017). The most pronounced variant effect results in >50%-90% of normal activity (Langerud_2018). Four ClinVar submitters have assessed the variant since 2014: all submitters classified the variant as of uncertain significance. Based on the evidence outlined above, the variant was classified as VUS-possibly benign.

Department of Medical Genetics, University Hospital of North Norway
Classification: Uncertain significance for Breast-ovarian cancer, familial, susceptibility to, 1. Last evaluated: 2016-05-01. Review status: no assertion criteria provided. Collection method: clinical testing. Allele origin: germline. Affected: no. Observed: 1 variant allele. Not counted in ClinVar's aggregate classification.

Brotman Baty Institute, University of Washington
No classification provided (evidence only). Condition: Breast-ovarian cancer, familial 1. Review status: no classification provided. Collection method: in vitro. Allele origin: not applicable. Functional consequence: functionally_normal. Not counted in ClinVar's aggregate classification.
ClinVar note: "not provided" was previously submitted as the classification for the variant. However, the classification appeared to be based only on an observation of functional data so it was converted to no classification on 2025-07-30.

Literature cited by the submitters: PubMed 27495310 (cited by 4 submitters); PubMed 34981296 (cited by Labcorp Genetics (formerly Invitae), Labcorp); PubMed 30209399 (cited by 4 submitters); PubMed 30458859 (cited by Labcorp Genetics (formerly Invitae), Labcorp and Women's Health and Genetics/Laboratory Corporation of America, LabCorp); PubMed 33471991 (cited by Color Diagnostics, LLC DBA Color Health and Women's Health and Genetics/Laboratory Corporation of America, LabCorp); PubMed 37085799 (cited by Ambry Genetics); PubMed 39142283 (cited by Lupski Lab, Baylor-Hopkins CMG, Baylor College of Medicine); PubMed 34793697 (cited by Lupski Lab, Baylor-Hopkins CMG, Baylor College of Medicine); DOI 10.1101/2024.04.11.24305690 (cited by Lupski Lab, Baylor-Hopkins CMG, Baylor College of Medicine).